The following is an entry in ClinVar:

NM_000883.4(IMPDH1):c.147C>T (p.Ser49=)

Gene: IMPDH1 (inosine monophosphate dehydrogenase 1; minus strand). Cytogenetic location: 7q32.1.
Variant type: single nucleotide variant.
Coding change: c.147C>T on transcript NM_000883.4 (MANE Select); coding-DNA position 147, C replaced by T.
Protein change: p.Ser49=; no amino-acid change (serine 49 retained).
Molecular consequence: synonymous variant. On other transcripts: intron variant (3).
Genome position (GRCh38, 1-based): chr7:128,409,484, G>A on the plus strand (C>T on the coding strand, the complement: IMPDH1 is on the minus strand). VCF-style: chr7-128409484-G-A. GRCh37 (hg19) VCF-style: chr7-128049538-G-A.
Other names: c.147C>T, p.Ser49= (NM_001142576.2); c.146+272C>T (NM_001304521.2, NM_183243.3); c.147-118C>T (NM_001102605.2).
Identifiers: ClinVar variation 3011296 (VCV003011296.3), dbSNP rs951775365, ClinGen allele CA457528868.

ClinVar aggregate classification (germline): Uncertain significance (1 of 4 stars; one submission).

gnomAD v4.1: 1 of 1,614,172 alleles (0.000062%); highest among the groups gnomAD compares: Non-Finnish European, 0.000085%; no homozygotes.

Submission:

Labcorp Genetics (formerly Invitae), Labcorp
Classification: Uncertain significance. Last evaluated: 2022-12-28. Review status: criteria provided, single submitter. Criteria: Invitae Variant Classification Sherloc (09022015). Collection method: clinical testing. Allele origin: germline.
Comment: This sequence change affects codon 49 of the IMPDH1 mRNA. It is a 'silent' change, meaning that it does not change the encoded amino acid sequence of the IMPDH1 protein. It affects a nucleotide within the consensus splice site. In summary, the available evidence is currently insufficient to determine the role of this variant in disease. Therefore, it has been classified as a Variant of Uncertain Significance. Algorithms developed to predict the effect of sequence changes on RNA splicing suggest that this variant is not likely to affect RNA splicing. This variant has not been reported in the literature in individuals affected with IMPDH1-related conditions. This variant is not present in population databases (gnomAD no frequency).